The following is an entry in ClinVar:

ClinVar aggregate classification (germline): Uncertain significance (1 of 4 stars; one submission).

Allele frequency attached by ClinVar (database versions not stated): gnomAD exomes below 0.00001.
gnomAD v4.1: 1 of 1,609,722 alleles (0.000062%); highest among the groups gnomAD compares: South Asian, 0.0011%; no homozygotes.

Submission:

CeGaT Center for Human Genetics Tuebingen
Classification: Uncertain significance. Last evaluated: 2024-06-01. Review status: criteria provided, single submitter. Criteria: CeGaT Center For Human Genetics Tuebingen Variant Classification Criteria Version 2. Collection method: clinical testing. Allele origin: germline. Affected: yes. Observed: 1 variant allele.
Comment: NBEA: PM2, BP4

NM_001385012.1(NBEA):c.5471A>G (p.Asn1824Ser)

Gene: NBEA (neurobeachin; plus strand). Cytogenetic location: 13q13.3.
Variant type: single nucleotide variant.
Coding change: c.5471A>G on transcript NM_001385012.1 (MANE Select); coding-DNA position 5471, A replaced by G.
Protein change: p.Asn1824Ser; replaces asparagine 1824 with serine.
Molecular consequence: missense variant.
Genome position (GRCh38, 1-based): chr13:35,208,804, A>G. VCF-style: chr13-35208804-A-G. GRCh37 (hg19) VCF-style: chr13-35782941-A-G.
Other names: c.5462A>G, p.Asn1821Ser (NM_001379245.1); c.5471A>G, p.Asn1824Ser (NM_015678.5); short protein forms N1821S, N1824S.
Identifiers: ClinVar variation 3250595 (VCV003250595.18), dbSNP rs977921474.